The following is an entry in ClinVar:

NM_003998.4(NFKB1):c.1327G>C (p.Asp443His)

Gene: NFKB1 (nuclear factor kappa B subunit 1; plus strand). Cytogenetic location: 4q24.
Variant type: single nucleotide variant.
Coding change: c.1327G>C on transcript NM_003998.4 (MANE Select); coding-DNA position 1327, G replaced by C.
Protein change: p.Asp443His; replaces aspartic acid 443 with histidine.
Molecular consequence: missense variant.
Genome position (GRCh38, 1-based): chr4:102,596,164, G>C. VCF-style: chr4-102596164-G-C. GRCh37 (hg19) VCF-style: chr4-103517321-G-C.
Other names: c.1324G>C, p.Asp442His (NM_001165412.2, NM_001319226.2, NM_001382627.1); c.1327G>C, p.Asp443His (NM_001382625.1, NM_001382626.1); c.1285G>C, p.Asp429His (NM_001382628.1); short protein forms D442H, D443H, D429H.
Identifiers: ClinVar variation 4780333 (VCV004780333.1).
Genomic context (GRCh38, chr4:102,596,164, plus strand): 5'-TGAGAAAAATCTGATGTTTTTGCATTTATCTTAGGAACCATGGACACTGAATCTAAAAAG[G>C]ACCCTGAAGGTTGTGACAAAAGTGATGACAAAAACACTGTAAACCTCTTTGGGAAAGTTA-3'
Protein context (NP_003989.2, residues 433-453): HGTMDTESKK[Asp443His]PEGCDKSDDK

ClinVar aggregate classification (germline): Uncertain significance (1 of 4 stars; one submission).

gnomAD v4.1: 10 of 1,605,100 alleles (0.00062%); highest among the groups gnomAD compares: East Asian, 0.011%; no homozygotes.

Submission:

Labcorp Genetics (formerly Invitae), Labcorp
Classification: Uncertain significance. Last evaluated: 2025-02-19. Review status: criteria provided, single submitter. Criteria: Invitae Variant Classification Sherloc (09022015). Collection method: clinical testing. Allele origin: germline.
Comment: This sequence change replaces aspartic acid, which is acidic and polar, with histidine, which is basic and polar, at codon 443 of the NFKB1 protein (p.Asp443His). This variant is not present in population databases (gnomAD no frequency). This variant has not been reported in the literature in individuals affected with NFKB1-related conditions. An algorithm developed to predict the effect of missense changes on protein structure and function (PolyPhen-2) suggests that this variant is likely to be disruptive. In summary, the available evidence is currently insufficient to determine the role of this variant in disease. Therefore, it has been classified as a Variant of Uncertain Significance.